The following is an entry in ClinVar:

NM_000260.4(MYO7A):c.6051+155T>C

Gene: MYO7A (myosin VIIA; plus strand). Cytogenetic location: 11q13.5.
Variant type: single nucleotide variant.
Coding change: c.6051+155T>C on transcript NM_000260.4 (MANE Select); 155 bases into the intron after coding-DNA position 6051, T replaced by C.
Molecular consequence: intron variant.
Genome position (GRCh38, 1-based): chr11:77,208,958, T>C. VCF-style: chr11-77208958-T-C. GRCh37 (hg19) VCF-style: chr11-76920003-T-C.
Other names: c.5904+155T>C (NM_001369365.1); c.5937+155T>C (NM_001127180.2).
Identifiers: ClinVar variation 678839 (VCV000678839.2), dbSNP rs11237122, ClinGen allele CA13422795.

ClinVar aggregate classification (germline): Benign. Review status: criteria provided, multiple submitters, no conflicts (2 of 4 stars). 2 submissions from 2 submitters: Benign (2). Last evaluated 2018-06-14.

Allele frequency attached by ClinVar (database versions not stated): 1000 Genomes Project 0.51318; 1000 Genomes Project 30x 0.51640; gnomAD exomes 0.55909; gnomAD 0.56115 and 0.56728; TOPMed 0.56127.
gnomAD v4.1: 358,546 of 640,508 alleles (56%); highest among the groups gnomAD compares: Admixed American, 64%; 101,743 homozygotes.

Submissions (2):

GeneDx
Classification: Benign. Last evaluated: 2018-06-14. Review status: criteria provided, single submitter. Criteria: GeneDx Variant Classification (06012015). Collection method: clinical testing. Allele origin: germline. Affected: yes.
Comment: This variant is considered likely benign or benign based on one or more of the following criteria: it is a conservative change, it occurs at a poorly conserved position in the protein, it is predicted to be benign by multiple in silico algorithms, and/or has population frequency not consistent with disease.

Breakthrough Genomics
Classification: Benign. Review status: criteria provided, single submitter. Criteria: ACMG Guidelines, 2015. Collection method: not provided. Allele origin: germline. Inheritance: Autosomal recessive inheritance. Affected: yes.